The following is an entry in ClinVar:

ClinVar aggregate classification (germline): Conflicting classifications of pathogenicity. Review status: criteria provided, conflicting classifications (1 of 4 stars). 12 submissions from 11 submitters: Uncertain significance (11); Likely benign (1). Last evaluated 2026-08-03.

Conditions:
BAG3-related disorder. Also called: BAG3-related condition.
Cardiovascular phenotype. Identifiers: MedGen CN230736.
Dilated cardiomyopathy 1HH (CMD1HH). Identifiers: Orphanet 154, MedGen C3151293, MONDO:0013479, OMIM 613881.
Myofibrillar myopathy 6. Identifiers: Orphanet 199340, MedGen C2751831, MONDO:0013061, OMIM 612954.
Cardiomyopathy (CMYO). Also called: Cardiomyopathies. Identifiers: Orphanet 167848, MedGen C0878544, MONDO:0004994, HP:0001638. Inheritance: Various modes of inheritance.

Allele frequency attached by ClinVar (database versions not stated): ExAC 0.00001; gnomAD exomes 0.00001 and 0.00003; TOPMed 0.00003; gnomAD 0.00005 and 0.00006.

Submissions (12):

GeneDx
Classification: Uncertain significance. Last evaluated: 2026-08-03. Review status: criteria provided, single submitter. Criteria: GeneDx Variant Classification Process June 2021. Collection method: clinical testing. Allele origin: germline.
Comment: Has not been previously published as pathogenic or benign to our knowledge; In silico analysis supports that this missense variant has a deleterious effect on protein structure/function

Labcorp Genetics (formerly Invitae), Labcorp
Classification: Likely benign for Dilated cardiomyopathy 1HH; Myofibrillar myopathy 6. Last evaluated: 2026-01-10. Review status: criteria provided, single submitter. Criteria: Invitae Variant Classification Sherloc (09022015). Collection method: clinical testing. Allele origin: germline.

Molecular Diagnostic Laboratory for Inherited Cardiovascular Disease, Montreal Heart Institute
Classification: Uncertain significance for Cardiovascular phenotype. Last evaluated: 2025-04-08. Review status: criteria provided, single submitter. Criteria: ACMG Guidelines, 2015. Collection method: clinical testing. Allele origin: germline. Affected: yes.

Blueprint Genetics
Classification: Uncertain significance. Last evaluated: 2024-02-20. Review status: criteria provided, single submitter. Criteria: ACMG Guidelines, 2015. Collection method: clinical testing. Allele origin: germline.

CeGaT Center for Human Genetics Tuebingen
Classification: Uncertain significance. Last evaluated: 2023-10-01. Review status: criteria provided, single submitter. Criteria: CeGaT Center For Human Genetics Tuebingen Variant Classification Criteria Version 2. Collection method: clinical testing. Allele origin: germline. Affected: yes. Observed: 1 variant allele.

CHEO Genetics Diagnostic Laboratory, Children's Hospital of Eastern Ontario
Classification: Uncertain significance for Cardiomyopathy. Last evaluated: 2023-05-16. Review status: criteria provided, single submitter. Criteria: ACMG Guidelines, 2015. Collection method: clinical testing. Allele origin: germline.

PreventionGenetics, part of Exact Sciences
Classification: Uncertain significance for BAG3-related condition. Last evaluated: 2023-02-16. Review status: criteria provided, single submitter. Criteria: ACMG Guidelines, 2015. Collection method: clinical testing. Allele origin: germline.
Comment: The BAG3 c.487C>T variant is predicted to result in the amino acid substitution p.Pro163Ser. To our knowledge, this variant has not been reported in the literature. This variant is reported in 0.0042% of alleles in individuals of African descent in gnomAD. At this time, the clinical significance of this variant is uncertain due to the absence of conclusive functional and genetic evidence.

Ambry Genetics
Classification: Uncertain significance for Cardiovascular phenotype. Last evaluated: 2021-11-14. Review status: criteria provided, single submitter. Criteria: Ambry Variant Classification Scheme 2023. Collection method: clinical testing. Allele origin: germline.
Comment: The p.P163S variant (also known as c.487C>T), located in coding exon 2 of the BAG3 gene, results from a C to T substitution at nucleotide position 487. The proline at codon 163 is replaced by serine, an amino acid with similar properties. This amino acid position is conserved. In addition, this alteration is predicted to be tolerated by in silico analysis. Since supporting evidence is limited at this time, the clinical significance of this alteration remains unclear.

Fulgent Genetics
Classification: Uncertain significance for Myofibrillar myopathy 6; Dilated cardiomyopathy 1HH. Last evaluated: 2021-10-18. Review status: criteria provided, single submitter. Criteria: ACMG Guidelines, 2015. Collection method: clinical testing. Allele origin: unknown.

Illumina Laboratory Services, Illumina
Classification: Uncertain significance for Myofibrillar myopathy 6. Last evaluated: 2018-01-13. Review status: criteria provided, single submitter. Criteria: ICSL Variant Classification Criteria 13 December 2019. Collection method: clinical testing. Allele origin: germline.

Illumina Laboratory Services, Illumina
Classification: Uncertain significance for Dilated cardiomyopathy 1HH. Last evaluated: 2018-01-13. Review status: criteria provided, single submitter. Criteria: ICSL Variant Classification Criteria 13 December 2019. Collection method: clinical testing. Allele origin: germline.

Eurofins Ntd Llc (ga)
Classification: Uncertain significance. Last evaluated: 2015-01-15. Review status: criteria provided, single submitter. Criteria: EGL Classification Definitions 2015. Collection method: clinical testing. Allele origin: germline. Observed: 1 variant allele, 1 heterozygote.

NM_004281.4(BAG3):c.487C>T (p.Pro163Ser)

Gene: BAG3 (BAG cochaperone 3; plus strand). Cytogenetic location: 10q26.11.
Variant type: single nucleotide variant.
Coding change: c.487C>T on transcript NM_004281.4 (MANE Select); coding-DNA position 487, C replaced by T.
Protein change: p.Pro163Ser; replaces proline 163 with serine.
Molecular consequence: missense variant.
Genome position (GRCh38, 1-based): chr10:119,670,157, C>T. VCF-style: chr10-119670157-C-T. GRCh37 (hg19) VCF-style: chr10-121429669-C-T.
Other names: short protein forms P163S.
Identifiers: ClinVar variation 195212 (VCV000195212.55), dbSNP rs746956979, ClinGen allele CA241532.